The following is an entry in ClinVar:

NM_152309.3(PIK3AP1):c.2108T>C (p.Ile703Thr)

Gene: PIK3AP1 (phosphoinositide-3-kinase adaptor protein 1; minus strand). Cytogenetic location: 10q24.1.
Variant type: single nucleotide variant.
Coding change: c.2108T>C on transcript NM_152309.3 (MANE Select); coding-DNA position 2108, T replaced by C.
Protein change: p.Ile703Thr; replaces isoleucine 703 with threonine.
Molecular consequence: missense variant.
Genome position (GRCh38, 1-based): chr10:96,609,774, A>G on the plus strand (T>C on the coding strand, the complement: PIK3AP1 is on the minus strand). VCF-style: chr10-96609774-A-G. GRCh37 (hg19) VCF-style: chr10-98369531-A-G.
Other names: short protein forms I703T.
Identifiers: ClinVar variation 541747 (VCV000541747.8), dbSNP rs1554952901, ClinGen allele CA377752325.

ClinVar aggregate classification (germline): Uncertain significance (1 of 4 stars; one submission).

Conditions:
Infantile spasms. Also called: Infantile spasm. Identifiers: MedGen C3887898, HP:0012469.

Allele frequency attached by ClinVar (database versions not stated): gnomAD exomes below 0.00001.
gnomAD v4.1: 1 of 1,614,140 alleles (0.000062%); highest among the groups gnomAD compares: South Asian, 0.0011%; no homozygotes.

Submission:

Labcorp Genetics (formerly Invitae), Labcorp
Classification: Uncertain significance for Infantile spasms. Last evaluated: 2017-10-06. Review status: criteria provided, single submitter. Criteria: Invitae Variant Classification Sherloc (09022015). Collection method: clinical testing. Allele origin: germline.
Comment: In summary, the available evidence is currently insufficient to determine the role of this variant in disease. Therefore, it has been classified as a Variant of Uncertain Significance. This sequence change replaces isoleucine with threonine at codon 703 of the PIK3AP1 protein (p.Ile703Thr). The isoleucine residue is weakly conserved and there is a moderate physicochemical difference between isoleucine and threonine. This variant is not present in population databases (ExAC no frequency). This variant has not been reported in the literature in individuals with PIK3AP1-related disease. Algorithms developed to predict the effect of missense changes on protein structure and function (SIFT, PolyPhen-2, Align-GVGD) all suggest that this variant is likely to be tolerated, but these predictions have not been confirmed by published functional studies and their clinical significance is uncertain.